The following is an entry in ClinVar:

ClinVar aggregate classification (germline): Pathogenic/Likely pathogenic. Review status: criteria provided, multiple submitters, no conflicts (2 of 4 stars). 3 submissions from 3 submitters: Pathogenic (2); Likely pathogenic (1). Last evaluated 2026-09-04.

Conditions:
Hereditary breast ovarian cancer syndrome. Also called: Hereditary breast and ovarian cancer; Hereditary breast and ovarian cancer syndrome (HBOC); Hereditary breast and/or ovarian cancer syndrome; Hereditary breast and ovarian cancer syndrome; Breast and ovarian cancer; BRCA1- and BRCA2-Associated Hereditary Breast and Ovarian Cancer. Identifiers: Orphanet 145, MedGen C0677776, MeSH D061325, MONDO:0003582. Disease mechanism: loss of function.
Hereditary cancer-predisposing syndrome. Also called: Tumor predisposition; Hereditary neoplastic syndrome; Neoplastic Syndromes, Hereditary; Hereditary Cancer Syndrome. Identifiers: Orphanet 140162, MedGen C0027672, MeSH D009386, MONDO:0015356.
Breast-ovarian cancer, familial, susceptibility to, 2 (BROVCA2). Also called: BRCA2 Hereditary Breast and Ovarian Cancer. Identifiers: Orphanet 145, MedGen C2675520, MONDO:0012933, OMIM 612555. Disease mechanism: loss of function.

Submissions (3):

Ambry Genetics
Classification: Pathogenic for Hereditary cancer-predisposing syndrome. Last evaluated: 2026-09-04. Review status: criteria provided, single submitter. Criteria: Ambry Variant Classification Scheme 2023. Collection method: clinical testing. Allele origin: germline.
Comment: The c.7805+2T>C intronic pathogenic mutation results from a T to C substitution two nucleotides after coding exon 15 in the BRCA2 gene. This nucleotide position is highly conserved in available vertebrate species. A saturation genome editing-based study using a haploid cell-survival assay demonstrates that this nucleotide substitution is non-functional (Huang H et al. Nature. 2025 Feb;638(8050):528-537). In silico splice site analysis predicts that this alteration will weaken the native splice donor site. RNA studies have demonstrated that this variant results in abnormal splicing in the set of samples tested (Ambry internal data). This variant is considered to be rare based on population cohorts in the Genome Aggregation Database (gnomAD). Based on the supporting evidence, this variant is interpreted as a disease-causing mutation.

Molecular Pathology, Peter Maccallum Cancer Centre
Classification: Likely pathogenic for Breast-ovarian cancer, familial, susceptibility to, 2. Last evaluated: 2024-08-02. Review status: criteria provided, single submitter. Criteria: ACMG Guidelines, 2015. Collection method: clinical testing. Allele origin: germline. Inheritance: Autosomal dominant inheritance.

Labcorp Genetics (formerly Invitae), Labcorp
Classification: Pathogenic for Hereditary breast ovarian cancer syndrome. Last evaluated: 2022-10-28. Review status: criteria provided, single submitter. Criteria: Invitae Variant Classification Sherloc (09022015). Collection method: clinical testing. Allele origin: germline.
Comment: This variant has not been reported in the literature in individuals affected with BRCA2-related conditions. ClinVar contains an entry for this variant (Variation ID: 843211). Studies have shown that disruption of this splice site alters mRNA splicing and is expected to lead to the loss of protein expression (PMID: 29881398). This sequence change affects a donor splice site in intron 16 of the BRCA2 gene. It is expected to disrupt RNA splicing. Variants that disrupt the donor or acceptor splice site typically lead to a loss of protein function (PMID: 16199547), and loss-of-function variants in BRCA2 are known to be pathogenic (PMID: 20104584). This variant is not present in population databases (gnomAD no frequency). For these reasons, this variant has been classified as Pathogenic.

Literature cited by the submitters: PubMed 29881398 (cited by Labcorp Genetics (formerly Invitae), Labcorp); PubMed 16199547 (cited by Labcorp Genetics (formerly Invitae), Labcorp); PubMed 20104584 (cited by Labcorp Genetics (formerly Invitae), Labcorp).

NM_000059.4(BRCA2):c.7805+2T>C

Gene: BRCA2 (BRCA2 DNA repair associated; plus strand). Cytogenetic location: 13q13.1.
Variant type: single nucleotide variant.
Coding change: c.7805+2T>C on transcript NM_000059.4 (MANE Select); the canonical splice donor site of the intron after coding-DNA position 7805, T replaced by C.
Molecular consequence: splice donor variant.
Genome position (GRCh38, 1-based): chr13:32,357,931, T>C. VCF-style: chr13-32357931-T-C. GRCh37 (hg19) VCF-style: chr13-32932068-T-C.
Other names: c.7805+2T>C (NM_001406720.1); c.7709+2T>C (NM_001406719.1); c.2873+2T>C (NM_001406721.1); c.1388+2T>C (NM_001406722.1).
Identifiers: ClinVar variation 843211 (VCV000843211.10), dbSNP rs886040941, ClinGen allele CA387746189.